The following is an entry in ClinVar:

ClinVar aggregate classification (germline): Uncertain significance. Review status: criteria provided, multiple submitters, no conflicts (2 of 4 stars). 2 submissions from 2 submitters: Uncertain significance (2). Last evaluated 2025-09-16.

Allele frequency attached by ClinVar (database versions not stated): ExAC 0.00001; gnomAD 0.00003; TOPMed 0.00003; gnomAD exomes 0.00004.
gnomAD v4.1: 57 of 1,613,700 alleles (0.0035%); highest among the groups gnomAD compares: Non-Finnish European, 0.0042%; no homozygotes.

Submissions (2):

Labcorp Genetics (formerly Invitae), Labcorp
Classification: Uncertain significance. Last evaluated: 2025-09-16. Review status: criteria provided, single submitter. Criteria: Invitae Variant Classification Sherloc (09022015). Collection method: clinical testing. Allele origin: germline.
Comment: This sequence change replaces arginine, which is basic and polar, with tryptophan, which is neutral and slightly polar, at codon 1060 of the ZNF687 protein (p.Arg1060Trp). This variant is present in population databases (rs778504513, gnomAD 0.006%). This variant has not been reported in the literature in individuals affected with ZNF687-related conditions. ClinVar contains an entry for this variant (Variation ID: 2718006). An algorithm developed to predict the effect of missense changes on protein structure and function (PolyPhen-2) suggests that this variant is likely to be disruptive. In summary, the available evidence is currently insufficient to determine the role of this variant in disease. Therefore, it has been classified as a Variant of Uncertain Significance.

Ambry Genetics
Classification: Uncertain significance. Last evaluated: 2024-12-05. Review status: criteria provided, single submitter. Criteria: Ambry Variant Classification Scheme 2023. Collection method: clinical testing. Allele origin: germline.

NM_020832.3(ZNF687):c.3178C>T (p.Arg1060Trp)

Gene: ZNF687 (zinc finger protein 687; plus strand). Cytogenetic location: 1q21.3.
Variant type: single nucleotide variant.
Coding change: c.3178C>T on transcript NM_020832.3 (MANE Select); coding-DNA position 3178, C replaced by T.
Protein change: p.Arg1060Trp; replaces arginine 1060 with tryptophan.
Molecular consequence: missense variant.
Genome position (GRCh38, 1-based): chr1:151,290,532, C>T. VCF-style: chr1-151290532-C-T. GRCh37 (hg19) VCF-style: chr1-151263008-C-T.
Other names: c.3178C>T, p.Arg1060Trp (NM_001304763.2, NM_001304764.2); c.3178C>T (NM_020832.1); short protein forms R1060W.
Identifiers: ClinVar variation 2718006 (VCV002718006.4), dbSNP rs778504513, ClinGen allele CA1088790.